The following is an entry in ClinVar:

ClinVar aggregate classification (germline): Uncertain significance. Review status: criteria provided, multiple submitters, no conflicts (2 of 4 stars). 3 submissions from 3 submitters: Uncertain significance (3). Last evaluated 2024-11-19.

Conditions:
Spastic paraplegia. Identifiers: MedGen C0037772, HP:0001258.

Allele frequency attached by ClinVar (database versions not stated): TOPMed 0.00015; ExAC 0.00016; gnomAD exomes 0.00017 and 0.00032; gnomAD 0.00018 and 0.00020; ESP Exome Variant Server 0.00038.
gnomAD v4.1: 487 of 1,598,328 alleles (0.03%); highest among the groups gnomAD compares: South Asian, 0.059%; no homozygotes.

Submissions (3):

Labcorp Genetics (formerly Invitae), Labcorp
Classification: Uncertain significance for Spastic paraplegia. Last evaluated: 2024-11-19. Review status: criteria provided, single submitter. Criteria: Invitae Variant Classification Sherloc (09022015). Collection method: clinical testing. Allele origin: germline.
Comment: This sequence change replaces proline, which is neutral and non-polar, with leucine, which is neutral and non-polar, at codon 256 of the B4GALNT1 protein (p.Pro256Leu). This variant is present in population databases (rs200510000, gnomAD 0.04%). This variant has not been reported in the literature in individuals affected with B4GALNT1-related conditions. ClinVar contains an entry for this variant (Variation ID: 1163942). Invitae Evidence Modeling of protein sequence and biophysical properties (such as structural, functional, and spatial information, amino acid conservation, physicochemical variation, residue mobility, and thermodynamic stability) indicates that this missense variant is not expected to disrupt B4GALNT1 protein function with a negative predictive value of 80%. In summary, the available evidence is currently insufficient to determine the role of this variant in disease. Therefore, it has been classified as a Variant of Uncertain Significance.

CeGaT Center for Human Genetics Tuebingen
Classification: Uncertain significance. Last evaluated: 2024-09-01. Review status: criteria provided, single submitter. Criteria: CeGaT Center For Human Genetics Tuebingen Variant Classification Criteria Version 2. Collection method: clinical testing. Allele origin: germline. Affected: yes. Observed: 1 variant allele.
Comment: B4GALNT1: PM2, BP4

Mayo Clinic Laboratories, Mayo Clinic
Classification: Uncertain significance. Last evaluated: 2022-06-02. Review status: criteria provided, single submitter. Criteria: ACMG Guidelines, 2015. Collection method: clinical testing. Allele origin: germline. Observed: 2 variant alleles.
Comment: BP4

NM_001478.5(B4GALNT1):c.767C>T (p.Pro256Leu)

Gene: B4GALNT1 (beta-1,4-N-acetyl-galactosaminyltransferase 1; minus strand). Cytogenetic location: 12q13.3.
Variant type: single nucleotide variant.
Coding change: c.767C>T on transcript NM_001478.5 (MANE Select); coding-DNA position 767, C replaced by T.
Protein change: p.Pro256Leu; replaces proline 256 with leucine.
Molecular consequence: missense variant.
Genome position (GRCh38, 1-based): chr12:57,629,092, G>A on the plus strand (C>T on the coding strand, the complement: B4GALNT1 is on the minus strand). VCF-style: chr12-57629092-G-A. GRCh37 (hg19) VCF-style: chr12-58022875-G-A.
Other names: c.602C>T, p.Pro201Leu (NM_001276468.2); short protein forms P201L, P256L.
Identifiers: ClinVar variation 1163942 (VCV001163942.25), dbSNP rs200510000, ClinGen allele CA6655649.
Genomic context (GRCh38, chr12:57,629,092, plus strand): 5'-CCCCTACCAGCCTCACCTCCCTGGGGTAGAGACCCAGGTGGGTACAGCCGAGGGTTGGGC[G>A]GGTGTCTTATGCGGATAGTGAAAGCAGCCTCATGTCCCTCGGTGGAGAACCGGACTGGGA-3'
Protein context (NP_001469.1, residues 246-266): EAAFTIRIRH[Pro256Leu]PNPRLYPPGS